The following is an entry in ClinVar:

NM_004385.5(VCAN):c.3052C>T (p.Pro1018Ser)

Gene: VCAN (versican; plus strand). Cytogenetic location: 5q14.3.
Variant type: single nucleotide variant.
Coding change: c.3052C>T on transcript NM_004385.5 (MANE Select); coding-DNA position 3052, C replaced by T.
Protein change: p.Pro1018Ser; replaces proline 1018 with serine.
Molecular consequence: missense variant. On other transcripts: intron variant (2).
Genome position (GRCh38, 1-based): chr5:83,521,358, C>T. VCF-style: chr5-83521358-C-T. GRCh37 (hg19) VCF-style: chr5-82817177-C-T.
Other names: c.3052C>T, p.Pro1018Ser (NM_001164098.2); c.1042+8962C>T (NM_001164097.2, NM_001126336.3); short protein forms P1018S.
Identifiers: ClinVar variation 848048 (VCV000848048.9), dbSNP rs143341095, ClinGen allele CA3332945.
Genomic context (GRCh38, chr5:83,521,358, plus strand): 5'-GGTGAACCCTCTCAAGACATACTTGTCATTGATCAGACTCGCCTTGAAGCGACTATTTCT[C>T]CAGAAACTATGAGAACAACAAAAATCACAGAGGGAACAACTCAGGAAGAATTCCCTTGGA-3'
Protein context (NP_004376.2, residues 1008-1028): DQTRLEATIS[Pro1018Ser]ETMRTTKITE

ClinVar aggregate classification (germline): Uncertain significance (1 of 4 stars; one submission).

Allele frequency attached by ClinVar (database versions not stated): gnomAD exomes below 0.00001 and 0.00001; ExAC 0.00001; gnomAD 0.00001; TOPMed 0.00001; ESP Exome Variant Server 0.00008.

Submission:

Labcorp Genetics (formerly Invitae), Labcorp
Classification: Uncertain significance. Last evaluated: 2022-07-27. Review status: criteria provided, single submitter. Criteria: Invitae Variant Classification Sherloc (09022015). Collection method: clinical testing. Allele origin: germline.
Comment: This variant is present in population databases (rs143341095, gnomAD 0.002%). This sequence change replaces proline, which is neutral and non-polar, with serine, which is neutral and polar, at codon 1018 of the VCAN protein (p.Pro1018Ser). This variant has not been reported in the literature in individuals affected with VCAN-related conditions. ClinVar contains an entry for this variant (Variation ID: 848048). Algorithms developed to predict the effect of missense changes on protein structure and function are either unavailable or do not agree on the potential impact of this missense change (SIFT: "Deleterious"; PolyPhen-2: "Benign"; Align-GVGD: "Class C0"). In summary, the available evidence is currently insufficient to determine the role of this variant in disease. Therefore, it has been classified as a Variant of Uncertain Significance.